The following is an entry in ClinVar:

NM_145059.3(FCSK):c.462G>A (p.Leu154=)

Gene: FCSK (fucose kinase; plus strand). Cytogenetic location: 16q22.1.
Variant type: single nucleotide variant.
Coding change: c.462G>A on transcript NM_145059.3 (MANE Select); coding-DNA position 462, G replaced by A.
Protein change: p.Leu154=; no amino-acid change (leucine 154 retained).
Molecular consequence: synonymous variant.
Genome position (GRCh38, 1-based): chr16:70,466,932, G>A. VCF-style: chr16-70466932-G-A. GRCh37 (hg19) VCF-style: chr16-70500835-G-A.
Identifiers: ClinVar variation 3054386 (VCV003054386.2), dbSNP rs891291853, ClinGen allele CA283462530.
Genomic context (GRCh38, chr16:70,466,932, plus strand): 5'-CCCCCCACAGCTGGGCCCGGGCTCCCCGCCAGGCGTGTGGGTCTGCAGCACCGACATGCT[G>A]CTGTCTGTTCCTGCAAATCCTGGTGAGCCTGAGACTACCTGGGACTGCCTTCCTTCGTCA-3'
Protein context (NP_659496.2, residues 144-164): PGVWVCSTDM[Leu154=]LSVPANPGIS

ClinVar aggregate classification (germline): Likely benign (0 of 4 stars; one submission).

Conditions:
FCSK-related disorder. Also called: FCSK-related condition.

Allele frequency attached by ClinVar (database versions not stated): gnomAD exomes 0.00001; gnomAD 0.00007; TOPMed 0.00008.
gnomAD v4.1: 25 of 1,613,828 alleles (0.0015%); highest among the groups gnomAD compares: African/African-American, 0.031%; no homozygotes.

Submission:

PreventionGenetics, part of Exact Sciences
Classification: Likely benign for FCSK-related condition. Last evaluated: 2020-04-28. Review status: no assertion criteria provided. Collection method: clinical testing. Allele origin: germline.
Comment: This variant is classified as likely benign based on ACMG/AMP sequence variant interpretation guidelines (Richards et al. 2015 PMID: 25741868, with internal and published modifications).